The following is an entry in ClinVar:

NM_001481.3(DRC4):c.85G>A (p.Glu29Lys)

Gene: DRC4 (dynein regulatory complex subunit 4; plus strand). Cytogenetic location: 16q24.3.
Variant type: single nucleotide variant.
Coding change: c.85G>A on transcript NM_001481.3 (MANE Select); coding-DNA position 85, G replaced by A.
Protein change: p.Glu29Lys; replaces glutamic acid 29 with lysine.
Molecular consequence: missense variant. On other transcripts: 5 prime UTR variant (2).
Genome position (GRCh38, 1-based): chr16:90,027,717, G>A. VCF-style: chr16-90027717-G-A. GRCh37 (hg19) VCF-style: chr16-90094125-G-A.
Other names: c.-288G>A (NM_001286205.2); c.-560G>A (NM_001286208.2); c.10G>A, p.Glu4Lys (NM_001286209.2); short protein forms E4K, E29K.
Identifiers: ClinVar variation 572231 (VCV000572231.8), dbSNP rs560531650, ClinGen allele CA8257463.

ClinVar aggregate classification (germline): Uncertain significance (1 of 4 stars; one submission).

Conditions:
Primary ciliary dyskinesia 33. Also called: CILIARY DYSKINESIA, PRIMARY, 33, WITHOUT SITUS INVERSUS. Identifiers: Orphanet 244, MedGen C4225230, MONDO:0014750, OMIM 616726.

Allele frequency attached by ClinVar (database versions not stated): 1000 Genomes Project 0.00020; 1000 Genomes Project 30x 0.00031.
gnomAD v4.1: 9 of 1,614,062 alleles (0.00056%); highest among the groups gnomAD compares: South Asian, 0.0099%; no homozygotes.

Submission:

Labcorp Genetics (formerly Invitae), Labcorp
Classification: Uncertain significance for Primary ciliary dyskinesia 33. Last evaluated: 2025-03-31. Review status: criteria provided, single submitter. Criteria: Invitae Variant Classification Sherloc (09022015). Collection method: clinical testing. Allele origin: germline.
Comment: This sequence change replaces glutamic acid, which is acidic and polar, with lysine, which is basic and polar, at codon 29 of the GAS8 protein (p.Glu29Lys). This variant is present in population databases (rs560531650, gnomAD 0.01%). This variant has not been reported in the literature in individuals affected with GAS8-related conditions. ClinVar contains an entry for this variant (Variation ID: 572231). Invitae Evidence Modeling of protein sequence and biophysical properties (such as structural, functional, and spatial information, amino acid conservation, physicochemical variation, residue mobility, and thermodynamic stability) indicates that this missense variant is not expected to disrupt GAS8 protein function with a negative predictive value of 80%. In summary, the available evidence is currently insufficient to determine the role of this variant in disease. Therefore, it has been classified as a Variant of Uncertain Significance.